The following is an entry in ClinVar:

NM_144736.5(NDUFAF7):c.1273T>C (p.Ser425Pro)

Gene: NDUFAF7 (NADH:ubiquinone oxidoreductase complex assembly factor 7; plus strand). Cytogenetic location: 2p22.2.
Variant type: single nucleotide variant.
Coding change: c.1273T>C on transcript NM_144736.5 (MANE Select); coding-DNA position 1273, T replaced by C.
Protein change: p.Ser425Pro; replaces serine 425 with proline.
Molecular consequence: missense variant. On other transcripts: non-coding transcript variant (10).
Genome position (GRCh38, 1-based): chr2:37,248,297, T>C. VCF-style: chr2-37248297-T-C. GRCh37 (hg19) VCF-style: chr2-37475440-T-C.
Other names: c.979T>C (NM_001083946.1); c.979T>C, p.Ser327Pro (NM_001083946.2); c.1150T>C, p.Ser384Pro (NM_001350024.2); c.1069T>C, p.Ser357Pro (NM_001350025.2); c.1060T>C, p.Ser354Pro (NM_001350027.2); short protein forms S327P, S357P, S384P, S354P, S425P.
Identifiers: ClinVar variation 2078938 (VCV002078938.6), dbSNP rs755827625, ClinGen allele CA1617454.

ClinVar aggregate classification (germline): Uncertain significance. Review status: criteria provided, multiple submitters, no conflicts (2 of 4 stars). 2 submissions from 2 submitters: Uncertain significance (2). Last evaluated 2025-12-23.

Allele frequency attached by ClinVar (database versions not stated): ExAC 0.00001; gnomAD 0.00002; TOPMed 0.00002.
gnomAD v4.1: 159 of 1,614,034 alleles (0.0099%); highest among the groups gnomAD compares: Non-Finnish European, 0.013%; no homozygotes.

Submissions (2):

Labcorp Genetics (formerly Invitae), Labcorp
Classification: Uncertain significance. Last evaluated: 2025-12-23. Review status: criteria provided, single submitter. Criteria: Invitae Variant Classification Sherloc (09022015). Collection method: clinical testing. Allele origin: germline.
Comment: This sequence change replaces serine, which is neutral and polar, with proline, which is neutral and non-polar, at codon 327 of the NDUFAF7 protein (p.Ser327Pro). This variant is present in population databases (rs755827625, gnomAD 0.005%). This variant has not been reported in the literature in individuals affected with NDUFAF7-related conditions. ClinVar contains an entry for this variant (Variation ID: 2078938). An algorithm developed to predict the effect of missense changes on protein structure and function (PolyPhen-2) suggests that this variant is likely to be tolerated. In summary, the available evidence is currently insufficient to determine the role of this variant in disease. Therefore, it has been classified as a Variant of Uncertain Significance.

Ambry Genetics
Classification: Uncertain significance. Last evaluated: 2023-01-10. Review status: criteria provided, single submitter. Criteria: Ambry Variant Classification Scheme 2023. Collection method: clinical testing. Allele origin: germline.